The following is an entry in ClinVar:

NM_130837.3(OPA1):c.2357A>G (p.Glu786Gly)

Gene: OPA1 (OPA1 mitochondrial dynamin like GTPase; plus strand). Cytogenetic location: 3q29.
Variant type: single nucleotide variant.
Coding change: c.2357A>G on transcript NM_130837.3 (MANE Select); coding-DNA position 2357, A replaced by G.
Protein change: p.Glu786Gly; replaces glutamic acid 786 with glycine.
Molecular consequence: missense variant.
Genome position (GRCh38, 1-based): chr3:193,658,912, A>G. VCF-style: chr3-193658912-A-G. GRCh37 (hg19) VCF-style: chr3-193376701-A-G.
Other names: c.1823A>G, p.Glu608Gly (NM_001354663.2); c.1820A>G, p.Glu607Gly (NM_001354664.2); c.2192A>G, p.Glu731Gly (NM_015560.3); c.2084A>G, p.Glu695Gly (NM_130831.3); c.2138A>G, p.Glu713Gly (NM_130832.3); c.2195A>G, p.Glu732Gly (NM_130833.3); c.2246A>G, p.Glu749Gly (NM_130834.3); c.2249A>G, p.Glu750Gly (NM_130835.3); and 1 more; short protein forms E607G, E608G, E695G, E713G, E731G, E732G, E749G, E750G.
Identifiers: ClinVar variation 5037396 (VCV005037396.1).

ClinVar aggregate classification (germline): Likely pathogenic (1 of 4 stars; one submission).

Submission:

GeneDx
Classification: Likely pathogenic. Last evaluated: 2026-04-22. Review status: criteria provided, single submitter. Criteria: GeneDx Variant Classification Process June 2021. Collection method: clinical testing. Allele origin: germline.
Comment: Not observed at significant frequency in large population cohorts (gnomAD); In silico analysis supports that this missense variant has a deleterious effect on protein structure/function; This variant is associated with the following publications: (PMID: 38148580)